The following is an entry in ClinVar:

ClinVar aggregate classification (germline): Uncertain significance (1 of 4 stars; one submission).

Conditions:
Spondyloepimetaphyseal dysplasia with joint laxity (SEMDJL). Identifiers: MedGen C0432243, MONDO:0019675.
Ehlers-Danlos syndrome, spondylodysplastic type, 2 (EDSSPD2). Also called: Ehlers-Danlos syndrome, progeroid type, 2. Identifiers: Orphanet 536467, Orphanet 75496, MedGen C3809210, MONDO:0014139, OMIM 615349.

Allele frequency attached by ClinVar (database versions not stated): TOPMed below 0.00001; gnomAD 0.00001.

Submission:

Labcorp Genetics (formerly Invitae), Labcorp
Classification: Uncertain significance for Ehlers-Danlos syndrome, spondylodysplastic type, 2; Spondyloepimetaphyseal dysplasia with joint laxity. Last evaluated: 2022-06-24. Review status: criteria provided, single submitter. Criteria: Invitae Variant Classification Sherloc (09022015). Collection method: clinical testing. Allele origin: germline.
Comment: In summary, the available evidence is currently insufficient to determine the role of this variant in disease. Therefore, it has been classified as a Variant of Uncertain Significance. Algorithms developed to predict the effect of missense changes on protein structure and function (SIFT, PolyPhen-2, Align-GVGD) all suggest that this variant is likely to be tolerated. This variant has not been reported in the literature in individuals affected with B3GALT6-related conditions. The frequency data for this variant in the population databases is considered unreliable, as metrics indicate insufficient coverage at this position in the gnomAD database. This sequence change replaces alanine, which is neutral and non-polar, with serine, which is neutral and polar, at codon 24 of the B3GALT6 protein (p.Ala24Ser).

NM_080605.4(B3GALT6):c.70G>T (p.Ala24Ser)

Gene: B3GALT6 (beta-1,3-galactosyltransferase 6; plus strand). Cytogenetic location: 1p36.33.
Variant type: single nucleotide variant.
Coding change: c.70G>T on transcript NM_080605.4 (MANE Select); coding-DNA position 70, G replaced by T.
Protein change: p.Ala24Ser; replaces alanine 24 with serine.
Molecular consequence: missense variant.
Genome position (GRCh38, 1-based): chr1:1,232,348, G>T. VCF-style: chr1-1232348-G-T. GRCh37 (hg19) VCF-style: chr1-1167728-G-T.
Other names: short protein forms A24S.
Identifiers: ClinVar variation 1958691 (VCV001958691.3), dbSNP rs1278976393, ClinGen allele CA337822186.